The following is an entry in ClinVar:

ClinVar aggregate classification (germline): Conflicting classifications of pathogenicity. Review status: criteria provided, conflicting classifications (1 of 4 stars). 7 submissions from 4 submitters: Uncertain significance (3); Likely benign (4). Last evaluated 2026-01-06.

Conditions:
PROM1-related disorder. Also called: PROM1-related condition; PROM1-related disorders.
Cone-rod dystrophy 12 (CORD12). Identifiers: Orphanet 1872, MedGen C2675210, MONDO:0012983, OMIM 612657.
Retinal macular dystrophy type 2 (MCDR2). Also called: Bull's eye macular dystrophy. Identifiers: Orphanet 319640, MedGen C4749334, MONDO:0011957, OMIM 608051.
Stargardt disease 4 (STGD4). Identifiers: Orphanet 827, MedGen C1863534, MONDO:0011370, OMIM 603786.
Retinitis pigmentosa (RP). Identifiers: Orphanet 791, MedGen C0035334, MeSH D012174, MONDO:0019200, OMIM 268000. Inheritance: Autosomal dominant, autosomal recessive and X linked inheritance.

Allele frequency attached by ClinVar (database versions not stated): gnomAD 0.00007; gnomAD exomes 0.00009 and 0.00030; TOPMed 0.00009; ExAC 0.00018.
gnomAD v4.1: 439 of 1,603,894 alleles (0.027%); highest among the groups gnomAD compares: Non-Finnish European, 0.037%; 1 homozygote.

Submissions (7):

PreventionGenetics, part of Exact Sciences
Classification: Likely benign for PROM1-related condition. Last evaluated: 2026-01-06. Review status: criteria provided, single submitter. Criteria: ACMG Guidelines, 2015. Collection method: clinical testing. Allele origin: germline.
Comment: This variant is classified as likely benign based on ACMG/AMP sequence variant interpretation guidelines (Richards et al. 2015 PMID: 25741868, with internal and published modifications).

Blueprint Genetics
Classification: Likely benign. Last evaluated: 2024-10-23. Review status: criteria provided, single submitter. Criteria: ACMG Guidelines, 2015. Collection method: clinical testing. Allele origin: germline.

Labcorp Genetics (formerly Invitae), Labcorp
Classification: Likely benign. Last evaluated: 2024-05-23. Review status: criteria provided, single submitter. Criteria: Invitae Variant Classification Sherloc (09022015). Collection method: clinical testing. Allele origin: germline.

Illumina Laboratory Services, Illumina
Classification: Uncertain significance for Retinitis pigmentosa. Last evaluated: 2018-01-13. Review status: criteria provided, single submitter. Criteria: ICSL Variant Classification Criteria 13 December 2019. Collection method: clinical testing. Allele origin: germline.

Illumina Laboratory Services, Illumina
Classification: Uncertain significance for Stargardt disease 4. Last evaluated: 2018-01-13. Review status: criteria provided, single submitter. Criteria: ICSL Variant Classification Criteria 13 December 2019. Collection method: clinical testing. Allele origin: germline.

Illumina Laboratory Services, Illumina
Classification: Uncertain significance for Retinal macular dystrophy type 2. Last evaluated: 2018-01-13. Review status: criteria provided, single submitter. Criteria: ICSL Variant Classification Criteria 13 December 2019. Collection method: clinical testing. Allele origin: germline.

Illumina Laboratory Services, Illumina
Classification: Likely benign for Cone-rod dystrophy 12. Last evaluated: 2018-01-13. Review status: criteria provided, single submitter. Criteria: ICSL Variant Classification Criteria 13 December 2019. Collection method: clinical testing. Allele origin: germline.
Comment: This variant was observed in the ICSL laboratory as part of a predisposition screen in an ostensibly healthy population. It had not been previously curated by ICSL or reported in the Human Gene Mutation Database (HGMD: prior to June 1st, 2018), and was therefore a candidate for classification through an automated scoring system. Utilizing variant allele frequency, disease prevalence and penetrance estimates, and inheritance mode, an automated score was calculated to assess if this variant is too frequent to cause the disease. Based on the score and internal cut-off values, a variant classified as likely benign is not then subjected to further curation. The score for this variant resulted in a classification of likely benign for this disease.

NM_006017.3(PROM1):c.717C>T (p.Gly239=)

Gene: PROM1 (prominin 1; minus strand). Cytogenetic location: 4p15.32.
Variant type: single nucleotide variant.
Coding change: c.717C>T on transcript NM_006017.3 (MANE Select); coding-DNA position 717, C replaced by T.
Protein change: p.Gly239=; no amino-acid change (glycine 239 retained).
Molecular consequence: synonymous variant.
Genome position (GRCh38, 1-based): chr4:16,023,393, G>A on the plus strand (C>T on the coding strand, the complement: PROM1 is on the minus strand). VCF-style: chr4-16023393-G-A. GRCh37 (hg19) VCF-style: chr4-16025016-G-A.
Other names: c.690C>T, p.Gly230= (NM_001145847.2, NM_001145848.2, NM_001145851.2 and 4 more transcripts); c.717C>T, p.Gly239= (NM_001145849.2, NM_001145850.2).
Identifiers: ClinVar variation 348003 (VCV000348003.15), dbSNP rs763697898, ClinGen allele CA2866976.